The following is an entry in ClinVar:

NM_173660.5(DOK7):c.1144G>T (p.Glu382Ter)

Gene: DOK7 (docking protein 7; plus strand). Cytogenetic location: 4p16.3.
Variant type: single nucleotide variant.
Coding change: c.1144G>T on transcript NM_173660.5 (MANE Select); coding-DNA position 1144, G replaced by T.
Protein change: p.Glu382Ter; replaces glutamic acid 382 with a stop codon.
Molecular consequence: nonsense. On other transcripts: 3 prime UTR variant (1).
Genome position (GRCh38, 1-based): chr4:3,493,130, G>T. VCF-style: chr4-3493130-G-T. GRCh37 (hg19) VCF-style: chr4-3494857-G-T.
Other names: c.*365G>T (NM_001164673.2); c.214G>T, p.Glu72Ter (NM_001256896.2); c.1144G>T, p.Glu382Ter (NM_001301071.2); c.712G>T, p.Glu238Ter (NM_001363811.2); short protein forms E72*, E238*, E382*.
Identifiers: ClinVar variation 4790626 (VCV004790626.1).

ClinVar aggregate classification (germline): Pathogenic (1 of 4 stars; one submission).

Conditions:
Congenital myasthenic syndrome 10. Also called: Myasthenia, limb-girdle, familial. Identifiers: Orphanet 590, MedGen C1850792, MONDO:0009690, OMIM 254300.
Fetal akinesia deformation sequence 1 (FADS1). Also called: Pena-Shokeir syndrome type I; Fetal akinesia sequence. Identifiers: Orphanet 994, MedGen C1276035, MONDO:0100101, OMIM 208150, HP:0001989.

gnomAD v4.1: 1 of 1,595,636 alleles (0.000063%); no homozygotes.

Submission:

Labcorp Genetics (formerly Invitae), Labcorp
Classification: Pathogenic for Congenital myasthenic syndrome 10; Fetal akinesia deformation sequence 1. Last evaluated: 2026-01-08. Review status: criteria provided, single submitter. Criteria: Invitae Variant Classification Sherloc (09022015). Collection method: clinical testing. Allele origin: germline.
Comment: This sequence change creates a premature translational stop signal (p.Glu382*) in the DOK7 gene. While this is not anticipated to result in nonsense mediated decay, it is expected to disrupt the last 123 amino acid(s) of the DOK7 protein. This variant is not present in population databases (gnomAD no frequency). This variant has not been reported in the literature in individuals affected with DOK7-related conditions. This variant disrupts a region of the DOK7 protein in which other variant(s) (p.Pro486Argfs*15) have been determined to be pathogenic (PMID: 29118959). This suggests that this is a clinically significant region of the protein, and that variants that disrupt it are likely to be disease-causing. For these reasons, this variant has been classified as Pathogenic.

Literature cited by the submitters: PubMed 29118959.